The following is an entry in ClinVar:

ClinVar aggregate classification (germline): Uncertain significance. Review status: criteria provided, multiple submitters, no conflicts (2 of 4 stars). 2 submissions from 2 submitters: Uncertain significance (2). Last evaluated 2024-07-02.

Conditions:
Inborn genetic diseases. Identifiers: MedGen C0950123, MeSH D030342.
Neuropathy, hereditary sensory and autonomic, type 1C. Also called: HSAN IC; HSN IC. Identifiers: Orphanet 36386, MedGen C3150896, MONDO:0013337, OMIM 613640.

Allele frequency attached by ClinVar (database versions not stated): gnomAD 0.00001; gnomAD exomes 0.00001; TOPMed 0.00002.
gnomAD v4.1: 25 of 1,535,866 alleles (0.0016%); highest among the groups gnomAD compares: Non-Finnish European, 0.0021%; no homozygotes.

Submissions (2):

Ambry Genetics
Classification: Uncertain significance for Inborn genetic diseases. Last evaluated: 2024-07-02. Review status: criteria provided, single submitter. Criteria: Ambry Variant Classification Scheme 2023. Collection method: clinical testing. Allele origin: germline.

Labcorp Genetics (formerly Invitae), Labcorp
Classification: Uncertain significance for Neuropathy, hereditary sensory and autonomic, type 1C. Last evaluated: 2022-07-30. Review status: criteria provided, single submitter. Criteria: Invitae Variant Classification Sherloc (09022015). Collection method: clinical testing. Allele origin: germline.
Comment: This variant has not been reported in the literature in individuals affected with SPTLC2-related conditions. This variant is present in population databases (no rsID available, gnomAD 0.002%). This sequence change replaces arginine, which is basic and polar, with proline, which is neutral and non-polar, at codon 12 of the SPTLC2 protein (p.Arg12Pro). ClinVar contains an entry for this variant (Variation ID: 840178). Algorithms developed to predict the effect of missense changes on protein structure and function (SIFT, PolyPhen-2, Align-GVGD) all suggest that this variant is likely to be tolerated. In summary, the available evidence is currently insufficient to determine the role of this variant in disease. Therefore, it has been classified as a Variant of Uncertain Significance.

NM_004863.4(SPTLC2):c.35G>C (p.Arg12Pro)

Gene: SPTLC2 (serine palmitoyltransferase long chain base subunit 2; minus strand). Cytogenetic location: 14q24.3.
Variant type: single nucleotide variant.
Coding change: c.35G>C on transcript NM_004863.4 (MANE Select); coding-DNA position 35, G replaced by C.
Protein change: p.Arg12Pro; replaces arginine 12 with proline.
Molecular consequence: missense variant.
Genome position (GRCh38, 1-based): chr14:77,616,545, C>G on the plus strand (G>C on the coding strand, the complement: SPTLC2 is on the minus strand). VCF-style: chr14-77616545-C-G. GRCh37 (hg19) VCF-style: chr14-78082888-C-G.
Other names: short protein forms R12P.
Identifiers: ClinVar variation 840178 (VCV000840178.10), dbSNP rs963707121, ClinGen allele CA263862026.